The following is an entry in ClinVar:

ClinVar aggregate classification (germline): Uncertain significance (1 of 4 stars; one submission).

Submission:

GeneDx
Classification: Uncertain significance. Last evaluated: 2023-05-10. Review status: criteria provided, single submitter. Criteria: GeneDx Variant Classification Process June 2021. Collection method: clinical testing. Allele origin: germline. Affected: yes.
Comment: Not observed at significant frequency in large population cohorts (gnomAD); In silico analysis supports that this missense variant does not alter protein structure/function; Has not been previously published as pathogenic or benign to our knowledge

NM_004859.4(CLTC):c.34C>T (p.His12Tyr)

Gene: CLTC (clathrin heavy chain; plus strand). Cytogenetic location: 17q23.1.
Variant type: single nucleotide variant.
Coding change: c.34C>T on transcript NM_004859.4 (MANE Select); coding-DNA position 34, C replaced by T.
Protein change: p.His12Tyr; replaces histidine 12 with tyrosine.
Molecular consequence: missense variant.
Genome position (GRCh38, 1-based): chr17:59,620,165, C>T. VCF-style: chr17-59620165-C-T. GRCh37 (hg19) VCF-style: chr17-57697526-C-T.
Other names: c.34C>T, p.His12Tyr (NM_001288653.2); short protein forms H12Y.
Identifiers: ClinVar variation 3343295 (VCV003343295.1).
Genomic context (GRCh38, chr17:59,620,165, plus strand): 5'-GAGGAGACCATAACCCCCGACAGCGCCATGGCCCAGATTCTGCCAATTCGTTTTCAGGAG[C>T]ATCTCCAGGTGCGGCCGGGCCCGGGCTGGTGAGGGCTGTGGAGAAGGTGGTAGGAAGGAT-3'
Protein context (NP_004850.1, residues 2-22): AQILPIRFQE[His12Tyr]LQLQNLGINP